The following is an entry in ClinVar:

NM_001122630.2(CDKN1C):c.696C>A (p.His232Gln)

Gene: CDKN1C (cyclin dependent kinase inhibitor 1C; minus strand). Cytogenetic location: 11p15.4.
Variant type: single nucleotide variant.
Coding change: c.696C>A on transcript NM_001122630.2 (MANE Select); coding-DNA position 696, C replaced by A.
Protein change: p.His232Gln; replaces histidine 232 with glutamine.
Molecular consequence: missense variant. On other transcripts: intron variant (1).
Genome position (GRCh38, 1-based): chr11:2,884,761, G>T on the plus strand (C>A on the coding strand, the complement: CDKN1C is on the minus strand). VCF-style: chr11-2884761-G-T. GRCh37 (hg19) VCF-style: chr11-2905991-G-T.
Other names: c.729C>A, p.His243Gln (NM_000076.2, NM_001362474.2); c.696C>A, p.His232Gln (NM_001122631.2); c.255+441C>A (NM_001362475.2); short protein forms H232Q, H243Q.
Identifiers: ClinVar variation 1387807 (VCV001387807.8), dbSNP rs2133782395, ClinGen allele CA379145691.

ClinVar aggregate classification (germline): Uncertain significance (1 of 4 stars; one submission).

Conditions:
Beckwith-Wiedemann syndrome (BWS). Also called: EMG SYNDROME; Exomphalos macroglossia gigantism syndrome. Identifiers: Orphanet 116, MedGen C0004903, MONDO:0007534, OMIM 130650.

Allele frequency attached by ClinVar (database versions not stated): gnomAD exomes below 0.00001.
gnomAD v4.1: 1 of 1,510,534 alleles (0.000066%); highest among the groups gnomAD compares: African/African-American, 0.0014%; no homozygotes.

Submission:

Labcorp Genetics (formerly Invitae), Labcorp
Classification: Uncertain significance for Beckwith-Wiedemann syndrome. Last evaluated: 2021-04-15. Review status: criteria provided, single submitter. Criteria: Invitae Variant Classification Sherloc (09022015). Collection method: clinical testing. Allele origin: germline.
Comment: This sequence change replaces histidine with glutamine at codon 243 of the CDKN1C protein (p.His243Gln). The histidine residue is weakly conserved and there is a small physicochemical difference between histidine and glutamine. In summary, the available evidence is currently insufficient to determine the role of this variant in disease. Therefore, it has been classified as a Variant of Uncertain Significance. Algorithms developed to predict the effect of missense changes on protein structure and function are either unavailable or do not agree on the potential impact of this missense change (SIFT: "Tolerated"; PolyPhen-2: "Not Available"; Align-GVGD: "Class C0"). This variant has not been reported in the literature in individuals with CDKN1C-related conditions. This variant is not present in population databases (ExAC no frequency).